The following is an entry in ClinVar:

NM_000540.3(RYR1):c.7695T>C (p.Cys2565=)

Gene: RYR1 (ryanodine receptor 1; plus strand). Cytogenetic location: 19q13.2.
Variant type: single nucleotide variant.
Coding change: c.7695T>C on transcript NM_000540.3 (MANE Select); coding-DNA position 7695, T replaced by C.
Protein change: p.Cys2565=; no amino-acid change (cysteine 2565 retained).
Molecular consequence: synonymous variant.
Genome position (GRCh38, 1-based): chr19:38,502,587, T>C. VCF-style: chr19-38502587-T-C. GRCh37 (hg19) VCF-style: chr19-38993227-T-C.
Other names: c.7695T>C, p.Cys2565= (NM_001042723.2).
Identifiers: ClinVar variation 2918947 (VCV002918947.4), dbSNP rs750159558, ClinGen allele CA507243737.

ClinVar aggregate classification (germline): Likely benign. Review status: criteria provided, multiple submitters, no conflicts (2 of 4 stars). 2 submissions from 2 submitters: Likely benign (2). Last evaluated 2024-02-05.

Conditions:
RYR1-related disorder. Also called: RYR1-related disorders; RYR1-related condition. Identifiers: MedGen CN239331.
Malignant hyperthermia, susceptibility to, 1 (MHS1). Also called: Anesthesia related hyperthermia; Malignant hyperpyrexia; Fulminating hyperpyrexia; Pharmacogenic myopathy; Malignant hyperthermia suceptibility 1; RYR1-Related Malignant Hyperthermia Susceptibility. Identifiers: Orphanet 423, MedGen C2930980, MONDO:0007783, OMIM 145600.

gnomAD v4.1: 10 of 1,612,302 alleles (0.00062%); highest among the groups gnomAD compares: South Asian, 0.0055%; no homozygotes.

Submissions (2):

All of Us Research Program, National Institutes of Health
Classification: Likely benign for Malignant hyperthermia, susceptibility to, 1. Last evaluated: 2024-02-05. Review status: criteria provided, single submitter. Criteria: ACMG Guidelines, 2015. Collection method: clinical testing. Allele origin: germline. Inheritance: Autosomal dominant inheritance. Observed: 2 variant alleles, 2 heterozygotes.
Comment: This study involves interpretation of variants in research participants for the purpose of population health screening. Participant phenotype was not available at the time of variant classification. Additional details can be found in publication PMID: 35346344, PMCID: PMC8962531

Labcorp Genetics (formerly Invitae), Labcorp
Classification: Likely benign for RYR1-related disorder. Last evaluated: 2022-11-18. Review status: criteria provided, single submitter. Criteria: Invitae Variant Classification Sherloc (09022015). Collection method: clinical testing. Allele origin: germline.